The following is an entry in ClinVar:

NM_001355436.2(SPTB):c.540_541dup (p.Leu181fs)

Gene: SPTB (spectrin beta, erythrocytic; minus strand). Cytogenetic location: 14q23.3.
Variant type: Duplication.
Coding change: c.540_541dup on transcript NM_001355436.2 (MANE Select); coding-DNA positions 540 to 541, 2 bases duplicated (GT; older notation c.540_541dupGT).
Protein change: p.Leu181fs; shifts the reading frame from leucine 181.
Molecular consequence: frameshift variant.
Genome position (GRCh38, 1-based): chr14:64,802,251-64,802,252, AC duplicated on the plus strand (GT on the coding strand, the reverse complement: SPTB is on the minus strand); duplicating any 2 consecutive bases within chr14:64,802,251-64,802,253 gives the same sequence; the c. name uses the placement nearest the transcript's 3' end. VCF-style (leftmost placement, unchanged base first): chr14-64802250-A-AAC. GRCh37 (hg19) VCF-style: chr14-65268968-A-AAC.
Other names: c.540_541dup, p.Leu181fs (NM_001024858.4, NM_001355437.2); short protein forms L181fs.
Identifiers: ClinVar variation 3729808 (VCV003729808.2).

ClinVar aggregate classification (germline): Pathogenic (1 of 4 stars; one submission).

Submission:

Labcorp Genetics (formerly Invitae), Labcorp
Classification: Pathogenic. Last evaluated: 2025-03-03. Review status: criteria provided, single submitter. Criteria: Invitae Variant Classification Sherloc (09022015). Collection method: clinical testing. Allele origin: germline.
Comment: This sequence change creates a premature translational stop signal (p.Leu181Cysfs*6) in the SPTB gene. It is expected to result in an absent or disrupted protein product. Loss-of-function variants in SPTB are known to be pathogenic (PMID: 1391962, 1498324, 8844207, 26830532, 27292444). This variant is not present in population databases (gnomAD no frequency). This variant has not been reported in the literature in individuals affected with SPTB-related conditions. Algorithms developed to predict the effect of sequence changes on RNA splicing suggest that this variant may disrupt the consensus splice site. For these reasons, this variant has been classified as Pathogenic.

Literature cited by the submitters: PubMed 1391962; PubMed 1498324; PubMed 8844207; PubMed 26830532; PubMed 27292444.